The following is an entry in ClinVar:

NM_206933.4(USH2A):c.2223T>G (p.Asp741Glu)

Gene: USH2A (usherin; minus strand). Cytogenetic location: 1q41.
Variant type: single nucleotide variant.
Coding change: c.2223T>G on transcript NM_206933.4 (MANE Select); coding-DNA position 2223, T replaced by G.
Protein change: p.Asp741Glu; replaces aspartic acid 741 with glutamic acid.
Molecular consequence: missense variant.
Genome position (GRCh38, 1-based): chr1:216,247,171, A>C on the plus strand (T>G on the coding strand, the complement: USH2A is on the minus strand). VCF-style: chr1-216247171-A-C. GRCh37 (hg19) VCF-style: chr1-216420513-A-C.
Other names: c.2223T>G, p.Asp741Glu (NM_007123.6); c.2223T>G (NM_206933.2); short protein forms D741E.
Identifiers: ClinVar variation 1023734 (VCV001023734.9), dbSNP rs1487392425, ClinGen allele CA344865539.

ClinVar aggregate classification (germline): Uncertain significance. Review status: criteria provided, multiple submitters, no conflicts (2 of 4 stars). 4 submissions from 4 submitters: Uncertain significance (3). 1 of the submissions does not count toward it. Last evaluated 2025-11-24.

Conditions:
USH2A-related disorder. Also called: USH2A-related condition; USH2A-related disorders. Identifiers: MedGen CN239332.
Usher syndrome type 2A. Also called: USHER SYNDROME, TYPE IIA; RETINAL DISEASE IN USHER SYNDROME TYPE IIA, MODIFIER OF. Identifiers: Orphanet 231178, Orphanet 886, MedGen C1848634, MONDO:0010169, OMIM 276901.

Allele frequency attached by ClinVar (database versions not stated): gnomAD exomes below 0.00001; gnomAD 0.00001; TOPMed 0.00001.
gnomAD v4.1: 3 of 1,614,006 alleles (0.00019%); highest among the groups gnomAD compares: Non-Finnish European, 0.00025%; no homozygotes.

Submissions (4):

PreventionGenetics, part of Exact Sciences
Classification: Uncertain significance for USH2A-related condition. Last evaluated: 2025-11-24. Review status: criteria provided, single submitter. Criteria: ACMG Guidelines, 2015. Collection method: clinical testing. Allele origin: germline.
Comment: The USH2A c.2223T>G variant is predicted to result in the amino acid substitution p.Asp741Glu. To our knowledge, this variant has not been reported in the literature or in a large population database (gnomAD), indicating this variant is rare. At this time, the clinical significance of this variant is uncertain due to the absence of conclusive functional and genetic evidence.

Labcorp Genetics (formerly Invitae), Labcorp
Classification: Uncertain significance. Last evaluated: 2021-08-24. Review status: criteria provided, single submitter. Criteria: Invitae Variant Classification Sherloc (09022015). Collection method: clinical testing. Allele origin: germline.
Comment: This sequence change replaces aspartic acid with glutamic acid at codon 741 of the USH2A protein (p.Asp741Glu). The aspartic acid residue is moderately conserved and there is a small physicochemical difference between aspartic acid and glutamic acid. This variant is not present in population databases (ExAC no frequency). This variant has not been reported in the literature in individuals affected with USH2A-related conditions. Algorithms developed to predict the effect of missense changes on protein structure and function output the following: SIFT: "Tolerated"; PolyPhen-2: "Benign"; Align-GVGD: "Class C0". The glutamic acid amino acid residue is found in multiple mammalian species, which suggests that this missense change does not adversely affect protein function. In summary, the available evidence is currently insufficient to determine the role of this variant in disease. Therefore, it has been classified as a Variant of Uncertain Significance.

Blueprint Genetics
Classification: Uncertain significance. Last evaluated: 2019-01-10. Review status: criteria provided, single submitter. Criteria: ACMG Guidelines, 2015. Collection method: clinical testing. Allele origin: germline.

Natera, Inc.
Classification: Uncertain significance for Usher syndrome type 2A. Last evaluated: 2020-09-08. Review status: no assertion criteria provided. Collection method: clinical testing. Allele origin: germline. Not counted in ClinVar's aggregate classification.